The following is an entry in ClinVar:

NM_002474.3(MYH11):c.3469G>A (p.Asp1157Asn)

Gene: MYH11 (myosin heavy chain 11; minus strand). Cytogenetic location: 16p13.11.
Variant type: single nucleotide variant.
Coding change: c.3469G>A on transcript NM_002474.3 (MANE Select); coding-DNA position 3469, G replaced by A.
Protein change: p.Asp1157Asn; replaces aspartic acid 1157 with asparagine.
Molecular consequence: missense variant.
Genome position (GRCh38, 1-based): chr16:15,735,403, C>T on the plus strand (G>A on the coding strand, the complement: MYH11 is on the minus strand). VCF-style: chr16-15735403-C-T. GRCh37 (hg19) VCF-style: chr16-15829260-C-T.
Other names: c.3490G>A, p.Asp1164Asn (NM_001040113.2, NM_001040114.2); c.3469G>A, p.Asp1157Asn (NM_022844.3); short protein forms D1157N, D1164N.
Identifiers: ClinVar variation 519927 (VCV000519927.23), dbSNP rs746943696, ClinGen allele CA7921992.
Genomic context (GRCh38, chr16:15,735,403, plus strand): 5'-GGTGGGATTGATGGGCCCCTCACCTGAGCTCCTGCTGAGTGGCTGTGCTGTCCAGTGTGT[C>T]TTCCAGCTCTGTCTTTAGGGCCTCCAGCTCCTCGCCGAGGTCTCGCTTCTGCTTTTCAGC-3'
Protein context (NP_002465.1, residues 1147-1167): ELEALKTELE[Asp1157Asn]TLDSTATQQE

ClinVar aggregate classification (germline): Conflicting classifications of pathogenicity. Review status: criteria provided, conflicting classifications (1 of 4 stars). 7 submissions from 7 submitters: Uncertain significance (1); Benign (1); Likely benign (4). 1 of the submissions does not count toward it. Last evaluated 2026-07-01.

Conditions:
MYH11-related disorder. Also called: MYH11-related condition.
Familial thoracic aortic aneurysm and aortic dissection (TAAD). Also called: Thoracic aortic aneurysms and dissections. Identifiers: Orphanet 91387, MedGen C4707243, MONDO:0019625.
Aortic aneurysm, familial thoracic 4 (AAT4). Also called: AORTIC ANEURYSM/AORTIC DISSECTION AND PATENT DUCTUS ARTERIOSUS. Identifiers: MedGen C1851504, MONDO:0007568, OMIM 132900.

Allele frequency attached by ClinVar (database versions not stated): gnomAD 0.00001; gnomAD exomes 0.00013 and 0.00030; TOPMed 0.00013; ExAC 0.00031.
gnomAD v4.1: 83 of 1,613,880 alleles (0.0051%); highest among the groups gnomAD compares: Admixed American, 0.14%; 2 homozygotes.

Submissions (7):

CeGaT Center for Human Genetics Tuebingen
Classification: Likely benign. Last evaluated: 2026-07-01. Review status: criteria provided, single submitter. Criteria: CeGaT Center For Human Genetics Tuebingen Variant Classification Criteria Version 2. Collection method: clinical testing. Allele origin: germline. Affected: yes. Observed: 2 variant alleles.
Comment: MYH11: PP3, BS2

Labcorp Genetics (formerly Invitae), Labcorp
Classification: Benign for Aortic aneurysm, familial thoracic 4. Last evaluated: 2025-09-19. Review status: criteria provided, single submitter. Criteria: Invitae Variant Classification Sherloc (09022015). Collection method: clinical testing. Allele origin: germline.

ARUP Laboratories, Molecular Genetics and Genomics, ARUP Laboratories
Classification: Likely benign. Last evaluated: 2024-03-19. Review status: criteria provided, single submitter. Criteria: ARUP Molecular Germline Variant Investigation Process 2024. Collection method: clinical testing. Allele origin: germline.

Women's Health and Genetics/Laboratory Corporation of America, LabCorp
Classification: Likely benign. Last evaluated: 2023-08-20. Review status: criteria provided, single submitter. Criteria: LabCorp Variant Classification Summary - May 2015. Collection method: clinical testing. Allele origin: germline.

Color Diagnostics, LLC DBA Color Health
Classification: Likely benign for Familial thoracic aortic aneurysm and aortic dissection. Last evaluated: 2019-07-25. Review status: criteria provided, single submitter. Criteria: ACMG Guidelines, 2015. Collection method: clinical testing. Allele origin: germline.

Ambry Genetics
Classification: Uncertain significance for Familial thoracic aortic aneurysm and aortic dissection. Last evaluated: 2016-03-10. Review status: criteria provided, single submitter. Criteria: Ambry Variant Classification Scheme 2023. Collection method: clinical testing. Allele origin: germline.
Comment: The p.D1157N variant (also known as c.3469G>A), located in coding exon 25 of the MYH11 gene, results from a G to A substitution at nucleotide position 3469. The aspartic acid at codon 1157 is replaced by asparagine, an amino acid with highly similar properties. Based on data from ExAC, the A allele was reported in 38 of 121412 (0.03%) total alleles (Exome Aggregation Consortium (ExAC), Cambridge, MA (URL) [Accessed March 7, 2016]). This variant was not reported in population based cohorts in the following databases: Database of Single Nucleotide Polymorphisms (dbSNP), NHLBI Exome Sequencing Project (ESP), and 1000 Genomes Project. In the ESP, this variant was not observed in 6497 samples (12994 alleles) with coverage at this position. This amino acid position is highly conserved in available vertebrate species. In addition, the in silico prediction for this alteration is inconclusive. Since supporting evidence is limited at this time, the clinical significance of this alteration remains unclear.

PreventionGenetics, part of Exact Sciences
Classification: Likely benign for MYH11-related condition. Last evaluated: 2023-05-18. Review status: no assertion criteria provided. Collection method: clinical testing. Allele origin: germline. Not counted in ClinVar's aggregate classification.
Comment: This variant is classified as likely benign based on ACMG/AMP sequence variant interpretation guidelines (Richards et al. 2015 PMID: 25741868, with internal and published modifications).